The following is an entry in ClinVar:

ClinVar aggregate classification (germline): Uncertain significance (1 of 4 stars; one submission).

Conditions:
DK1-congenital disorder of glycosylation. Also called: DOLK-congenital disorder of glycosylation; Carbohydrate deficient glycoprotein syndrome type 1m; CDG Im; DK1 DEFICIENCY; DOLICHOL KINASE DEFICIENCY; CONGENITAL DISORDER OF GLYCOSYLATION, TYPE Im. Identifiers: Orphanet 91131, MedGen C1835849, MONDO:0012556, OMIM 610768.

Submission:

Labcorp Genetics (formerly Invitae), Labcorp
Classification: Uncertain significance for DK1-congenital disorder of glycosylation. Last evaluated: 2022-04-15. Review status: criteria provided, single submitter. Criteria: Invitae Variant Classification Sherloc (09022015). Collection method: clinical testing. Allele origin: germline.
Comment: In summary, the available evidence is currently insufficient to determine the role of this variant in disease. Therefore, it has been classified as a Variant of Uncertain Significance. Algorithms developed to predict the effect of missense changes on protein structure and function are either unavailable or do not agree on the potential impact of this missense change (SIFT: "Deleterious"; PolyPhen-2: "Possibly Damaging"; Align-GVGD: "Class C0"). This variant has not been reported in the literature in individuals affected with DOLK-related conditions. This variant is not present in population databases (gnomAD no frequency). This sequence change replaces serine, which is neutral and polar, with threonine, which is neutral and polar, at codon 455 of the DOLK protein (p.Ser455Thr).

NM_014908.4(DOLK):c.1363T>A (p.Ser455Thr)

Gene: DOLK (dolichol kinase; minus strand). Cytogenetic location: 9q34.11.
Variant type: single nucleotide variant.
Coding change: c.1363T>A on transcript NM_014908.4 (MANE Select); coding-DNA position 1363, T replaced by A.
Protein change: p.Ser455Thr; replaces serine 455 with threonine.
Molecular consequence: missense variant.
Genome position (GRCh38, 1-based): chr9:128,945,941, A>T on the plus strand (T>A on the coding strand, the complement: DOLK is on the minus strand). VCF-style: chr9-128945941-A-T. GRCh37 (hg19) VCF-style: chr9-131708220-A-T.
Other names: short protein forms S455T.
Identifiers: ClinVar variation 2126265 (VCV002126265.4), dbSNP rs2492002906, ClinGen allele CA375117296.